The following is an entry in ClinVar:

NM_015021.3(ZNF292):c.5287A>G (p.Lys1763Glu)

Gene: ZNF292 (zinc finger protein 292; plus strand). Cytogenetic location: 6q14.3.
Variant type: single nucleotide variant.
Coding change: c.5287A>G on transcript NM_015021.3 (MANE Select); coding-DNA position 5287, A replaced by G.
Protein change: p.Lys1763Glu; replaces lysine 1763 with glutamic acid.
Molecular consequence: missense variant.
Genome position (GRCh38, 1-based): chr6:87,258,916, A>G. VCF-style: chr6-87258916-A-G. GRCh37 (hg19) VCF-style: chr6-87968634-A-G.
Other names: c.4867A>G, p.Lys1623Glu (NM_001351444.2); short protein forms K1763E, K1623E.
Identifiers: ClinVar variation 4991738 (VCV004991738.1).

ClinVar aggregate classification (germline): Uncertain significance (1 of 4 stars; one submission).

Conditions:
ZNF292-related disorder. Also called: ZNF292-related condition.

gnomAD v4.1: 1 of 1,608,750 alleles (0.000062%); highest among the groups gnomAD compares: Admixed American, 0.0017%; no homozygotes.

Submission:

PreventionGenetics, part of Exact Sciences
Classification: Uncertain significance for ZNF292-related condition. Last evaluated: 2026-06-28. Review status: criteria provided, single submitter. Criteria: ACMG Guidelines, 2015. Collection method: clinical testing. Allele origin: germline.
Comment: The ZNF292 c.5287A>G variant is predicted to result in the amino acid substitution p.Lys1763Glu. To our knowledge, this variant has not been reported in the literature or in a large population database (gnomAD), indicating this variant is rare. At this time, the clinical significance of this variant is uncertain due to the absence of conclusive functional and genetic evidence.